The following is an entry in ClinVar:

NM_052989.3(IFT122):c.3373C>G (p.Leu1125Val)

Gene: IFT122 (intraflagellar transport 122; plus strand). Cytogenetic location: 3q22.1.
Variant type: single nucleotide variant.
Coding change: c.3373C>G on transcript NM_052989.3 (MANE Select); coding-DNA position 3373, C replaced by G.
Protein change: p.Leu1125Val; replaces leucine 1125 with valine.
Molecular consequence: missense variant.
Genome position (GRCh38, 1-based): chr3:129,517,576, C>G. VCF-style: chr3-129517576-C-G. GRCh37 (hg19) VCF-style: chr3-129236419-C-G.
Other names: c.3352C>G, p.Leu1118Val (NM_001280541.2); c.2923C>G, p.Leu975Val (NM_001280545.2); c.2746C>G, p.Leu916Val (NM_001280546.2); c.3376C>G, p.Leu1126Val (NM_001410808.1); c.3319C>G, p.Leu1107Val (NM_001410809.1); c.3199C>G, p.Leu1067Val (NM_001410810.1); c.3145C>G, p.Leu1049Val (NM_001410811.1); c.3142C>G, p.Leu1048Val (NM_001410813.1); and 5 more; short protein forms L1014V, L1067V, L1118V, L1176V, L997V, L1015V, L1048V, L1126V.
Identifiers: ClinVar variation 2202491 (VCV002202491.2), dbSNP rs2084135587, ClinGen allele CA354490206.
Genomic context (GRCh38, chr3:129,517,576, plus strand): 5'-GAAGAAGCCATCTCCCTCATCGACCTGGAGGTGCTGAGACCCAAGCGGGATGACAGACAG[C>G]TAGAGATTGCAAACAACAGTATCCATGCCCTTGGCCAGAGCCTGTGTGTGCGGCTGTGTG-3'
Protein context (NP_443715.1, residues 1115-1135): VLRPKRDDRQ[Leu1125Val]EIANNSSQIL

ClinVar aggregate classification (germline): Uncertain significance. Review status: criteria provided, multiple submitters, no conflicts (2 of 4 stars). 2 submissions from 2 submitters: Uncertain significance (2). Last evaluated 2024-03-21.

Conditions:
Cranioectodermal dysplasia 1 (CED1). Also called: LEVIN SYNDROME I. Identifiers: Orphanet 1515, MedGen C0432235, MONDO:0021093, OMIM 218330.

Allele frequency attached by ClinVar (database versions not stated): gnomAD 0.00001; TOPMed 0.00003.
gnomAD v4.1: 14 of 1,613,526 alleles (0.00087%); highest among the groups gnomAD compares: Admixed American, 0.0033%; no homozygotes.

Submissions (2):

Fulgent Genetics
Classification: Uncertain significance for Cranioectodermal dysplasia 1. Last evaluated: 2024-03-21. Review status: criteria provided, single submitter. Criteria: ACMG Guidelines, 2015. Collection method: clinical testing. Allele origin: germline.

Labcorp Genetics (formerly Invitae), Labcorp
Classification: Uncertain significance for Cranioectodermal dysplasia 1. Last evaluated: 2022-05-20. Review status: criteria provided, single submitter. Criteria: Invitae Variant Classification Sherloc (09022015). Collection method: clinical testing. Allele origin: germline.
Comment: This sequence change replaces leucine, which is neutral and non-polar, with valine, which is neutral and non-polar, at codon 1176 of the IFT122 protein (p.Leu1176Val). This variant is not present in population databases (gnomAD no frequency). This variant has not been reported in the literature in individuals affected with IFT122-related conditions. Algorithms developed to predict the effect of missense changes on protein structure and function (SIFT, PolyPhen-2, Align-GVGD) all suggest that this variant is likely to be tolerated. Algorithms developed to predict the effect of sequence changes on RNA splicing suggest that this variant may disrupt the consensus splice site. In summary, the available evidence is currently insufficient to determine the role of this variant in disease. Therefore, it has been classified as a Variant of Uncertain Significance.